The following is an entry in ClinVar:

NM_004793.4(LONP1):c.86G>A (p.Gly29Glu)

Gene: LONP1 (lon peptidase 1, mitochondrial; minus strand). Cytogenetic location: 19p13.3.
Variant type: single nucleotide variant.
Coding change: c.86G>A on transcript NM_004793.4 (MANE Select); coding-DNA position 86, G replaced by A.
Protein change: p.Gly29Glu; replaces glycine 29 with glutamic acid.
Molecular consequence: missense variant. On other transcripts: non-coding transcript variant (1), intron variant (1).
Genome position (GRCh38, 1-based): chr19:5,720,047, C>T on the plus strand (G>A on the coding strand, the complement: LONP1 is on the minus strand). VCF-style: chr19-5720047-C-T. GRCh37 (hg19) VCF-style: chr19-5720058-C-T.
Other names: c.86G>A, p.Gly29Glu (NM_001276479.2); c.-160+172G>A (NM_001276480.1); short protein forms G29E.
Identifiers: ClinVar variation 1361108 (VCV001361108.6), dbSNP rs1289053223, ClinGen allele CA403544634.
Genomic context (GRCh38, chr19:5,720,047, plus strand): 5'-GAGGCGTCGCAGGTCCGCTGGCCTCGGAGCAACCACGCTCCTGCTGCAGTGGGAACCCGC[C>T]CCCCGGCGGCGGCCAGCATCGGCCGCCGCAGCACCCAGCACCGCGCCGCTCCCCACAGTC-3'
Protein context (NP_004784.2, residues 19-39): LRRPMLAAAG[Gly29Glu]RVPTAAGAWL

ClinVar aggregate classification (germline): Uncertain significance (1 of 4 stars; one submission).

Allele frequency attached by ClinVar (database versions not stated): gnomAD exomes below 0.00001.

Submission:

Labcorp Genetics (formerly Invitae), Labcorp
Classification: Uncertain significance. Last evaluated: 2021-12-02. Review status: criteria provided, single submitter. Criteria: Invitae Variant Classification Sherloc (09022015). Collection method: clinical testing. Allele origin: germline.
Comment: In summary, the available evidence is currently insufficient to determine the role of this variant in disease. Therefore, it has been classified as a Variant of Uncertain Significance. Algorithms developed to predict the effect of missense changes on protein structure and function (SIFT, PolyPhen-2, Align-GVGD) all suggest that this variant is likely to be tolerated. This variant has not been reported in the literature in individuals affected with LONP1-related conditions. This variant is not present in population databases (gnomAD no frequency). This sequence change replaces glycine, which is neutral and non-polar, with glutamic acid, which is acidic and polar, at codon 29 of the LONP1 protein (p.Gly29Glu).